The following is an entry in ClinVar:

NM_003839.4(TNFRSF11A):c.1744G>A (p.Ala582Thr)

Gene: TNFRSF11A (TNF receptor superfamily member 11a; plus strand). Cytogenetic location: 18q21.33.
Variant type: single nucleotide variant.
Coding change: c.1744G>A on transcript NM_003839.4 (MANE Select); coding-DNA position 1744, G replaced by A.
Protein change: p.Ala582Thr; replaces alanine 582 with threonine.
Molecular consequence: missense variant. On other transcripts: 3 prime UTR variant (1).
Genome position (GRCh38, 1-based): chr18:62,384,927, G>A. VCF-style: chr18-62384927-G-A. GRCh37 (hg19) VCF-style: chr18-60052160-G-A.
Other names: c.*168G>A (NM_001270949.2); c.907G>A, p.Ala303Thr (NM_001270950.2); c.793G>A, p.Ala265Thr (NM_001270951.2); c.1702G>A, p.Ala568Thr (NM_001278268.2); short protein forms A265T, A582T, A568T, A303T.
Identifiers: ClinVar variation 2076667 (VCV002076667.4), dbSNP rs1347636199, ClinGen allele CA402620531.

ClinVar aggregate classification (germline): Uncertain significance (1 of 4 stars; one submission).

Allele frequency attached by ClinVar (database versions not stated): gnomAD exomes below 0.00001; gnomAD 0.00001.
gnomAD v4.1: 4 of 1,550,186 alleles (0.00026%); highest among the groups gnomAD compares: South Asian, 0.0024%; no homozygotes.

Submission:

Labcorp Genetics (formerly Invitae), Labcorp
Classification: Uncertain significance. Last evaluated: 2022-06-12. Review status: criteria provided, single submitter. Criteria: Invitae Variant Classification Sherloc (09022015). Collection method: clinical testing. Allele origin: germline.
Comment: In summary, the available evidence is currently insufficient to determine the role of this variant in disease. Therefore, it has been classified as a Variant of Uncertain Significance. Algorithms developed to predict the effect of missense changes on protein structure and function are either unavailable or do not agree on the potential impact of this missense change (SIFT: "Deleterious"; PolyPhen-2: "Probably Damaging"; Align-GVGD: "Class C0"). This variant has not been reported in the literature in individuals affected with TNFRSF11A-related conditions. The frequency data for this variant in the population databases is considered unreliable, as metrics indicate poor data quality at this position in the gnomAD database. This sequence change replaces alanine, which is neutral and non-polar, with threonine, which is neutral and polar, at codon 582 of the TNFRSF11A protein (p.Ala582Thr).